The following is an entry in ClinVar:

ClinVar aggregate classification (germline): Benign/Likely benign. Review status: criteria provided, multiple submitters, no conflicts (2 of 4 stars). 2 submissions from 2 submitters: Benign (1); Likely benign (1). Last evaluated 2025-05-01.

Allele frequency attached by ClinVar (database versions not stated): 1000 Genomes Project 30x 0.00031; 1000 Genomes Project 0.00040; TOPMed 0.00050; ESP Exome Variant Server 0.00062; gnomAD 0.00063 and 0.00064.
gnomAD v4.1: 1,531 of 1,613,280 alleles (0.095%); highest among the groups gnomAD compares: South Asian, 0.12%; 4 homozygotes.

Submissions (2):

CeGaT Center for Human Genetics Tuebingen
Classification: Benign. Last evaluated: 2025-05-01. Review status: criteria provided, single submitter. Criteria: CeGaT Center For Human Genetics Tuebingen Variant Classification Criteria Version 2. Collection method: clinical testing. Allele origin: germline. Affected: yes. Observed: 1 variant allele.
Comment: REV3L: BS1, BS2

Labcorp Genetics (formerly Invitae), Labcorp
Classification: Likely benign. Last evaluated: 2018-08-07. Review status: criteria provided, single submitter. Criteria: Invitae Variant Classification Sherloc (09022015). Collection method: clinical testing. Allele origin: germline.

NM_001372078.1(REV3L):c.3355A>G (p.Ser1119Gly)

Gene: REV3L (REV3 like, DNA directed polymerase zeta catalytic subunit; minus strand). Cytogenetic location: 6q21.
Variant type: single nucleotide variant.
Coding change: c.3355A>G on transcript NM_001372078.1 (MANE Select); coding-DNA position 3355, A replaced by G.
Protein change: p.Ser1119Gly; replaces serine 1119 with glycine.
Molecular consequence: missense variant.
Genome position (GRCh38, 1-based): chr6:111,375,000, T>C on the plus strand (A>G on the coding strand, the complement: REV3L is on the minus strand). VCF-style: chr6-111375000-T-C. GRCh37 (hg19) VCF-style: chr6-111696203-T-C.
Other names: c.3121A>G, p.Ser1041Gly (NM_001286431.2, NM_001286432.2); c.3355A>G, p.Ser1119Gly (NM_002912.5); short protein forms S1041G, S1119G.
Identifiers: ClinVar variation 728191 (VCV000728191.13), dbSNP rs144404854, ClinGen allele CA3962216.